The following is an entry in ClinVar:

NM_004667.6(HERC2):c.11752C>T (p.Leu3918=)

Gene: HERC2 (HECT and RLD domain containing E3 ubiquitin protein ligase 2; minus strand). Cytogenetic location: 15q13.1.
Variant type: single nucleotide variant.
Coding change: c.11752C>T on transcript NM_004667.6 (MANE Select); coding-DNA position 11752, C replaced by T.
Protein change: p.Leu3918=; no amino-acid change (leucine 3918 retained).
Molecular consequence: synonymous variant.
Genome position (GRCh38, 1-based): chr15:28,141,795, G>A on the plus strand (C>T on the coding strand, the complement: HERC2 is on the minus strand). VCF-style: chr15-28141795-G-A. GRCh37 (hg19) VCF-style: chr15-28386941-G-A.
Identifiers: ClinVar variation 3239520 (VCV003239520.19), dbSNP rs766759949.

ClinVar aggregate classification (germline): Uncertain significance (1 of 4 stars; one submission).

Submission:

CeGaT Center for Human Genetics Tuebingen
Classification: Uncertain significance. Last evaluated: 2024-05-01. Review status: criteria provided, single submitter. Criteria: CeGaT Center For Human Genetics Tuebingen Variant Classification Criteria Version 2. Collection method: clinical testing. Allele origin: germline. Affected: yes. Observed: 1 variant allele.
Comment: HERC2: PM2:Supporting, BP4